The following is an entry in ClinVar:

ClinVar aggregate classification (germline): Uncertain significance. Review status: criteria provided, multiple submitters, no conflicts (2 of 4 stars). 2 submissions from 2 submitters: Uncertain significance (2). Last evaluated 2025-04-14.

Conditions:
Gastrointestinal stromal tumor. Also called: Gastrointestinal stromal tumor, somatic; Gastrointestinal stroma tumor. Identifiers: Orphanet 44890, MedGen C0238198, MeSH D046152, MONDO:0011719, OMIM 606764, HP:0100723.
Hereditary cancer-predisposing syndrome. Also called: Neoplastic Syndromes, Hereditary; Tumor predisposition; Hereditary Cancer Syndrome; Hereditary neoplastic syndrome. Identifiers: Orphanet 140162, MedGen C0027672, MeSH D009386, MONDO:0015356.

Submissions (2):

Ambry Genetics
Classification: Uncertain significance for Hereditary cancer-predisposing syndrome. Last evaluated: 2025-04-14. Review status: criteria provided, single submitter. Criteria: Ambry Variant Classification Scheme 2023. Collection method: clinical testing. Allele origin: germline.
Comment: The c.2901G>A variant (also known as p.L967L), located in coding exon 21 of the PDGFRA gene, results from a G to A substitution at nucleotide position 2901. This nucleotide substitution does not change the leucine at codon 967. This nucleotide position is well conserved in available vertebrate species. In silico splice site analysis predicts that this alteration will result in the creation or strengthening of a novel splice acceptor site. Based on the available evidence, the clinical significance of this variant remains unclear.

Labcorp Genetics (formerly Invitae), Labcorp
Classification: Uncertain significance for Gastrointestinal stromal tumor. Last evaluated: 2022-10-30. Review status: criteria provided, single submitter. Criteria: Invitae Variant Classification Sherloc (09022015). Collection method: clinical testing. Allele origin: germline.
Comment: In summary, the available evidence is currently insufficient to determine the role of this variant in disease. Therefore, it has been classified as a Variant of Uncertain Significance. Algorithms developed to predict the effect of sequence changes on RNA splicing suggest that this variant may create or strengthen a splice site. This variant has not been reported in the literature in individuals affected with PDGFRA-related conditions. This variant is not present in population databases (gnomAD no frequency). This sequence change affects codon 967 of the PDGFRA mRNA. It is a 'silent' change, meaning that it does not change the encoded amino acid sequence of the PDGFRA protein.

NM_006206.6(PDGFRA):c.2901G>A (p.Leu967=)

Gene: PDGFRA (platelet derived growth factor receptor alpha; plus strand). Cytogenetic location: 4q12.
Variant type: single nucleotide variant.
Coding change: c.2901G>A on transcript NM_006206.6 (MANE Select); coding-DNA position 2901, G replaced by A.
Protein change: p.Leu967=; no amino-acid change (leucine 967 retained).
Molecular consequence: synonymous variant.
Genome position (GRCh38, 1-based): chr4:54,290,333, G>A. VCF-style: chr4-54290333-G-A. GRCh37 (hg19) VCF-style: chr4-55156500-G-A.
Other names: c.2976G>A, p.Leu992= (NM_001347828.2); c.2901G>A, p.Leu967= (NM_001347829.2); c.2940G>A, p.Leu980= (NM_001347830.2).
Identifiers: ClinVar variation 2810665 (VCV002810665.4), dbSNP rs2110348060, ClinGen allele CA439408775.
Genomic context (GRCh38, chr4:54,290,333, plus strand): 5'-TGTTAACACTTGATTAAATATGTTCAATGAATGTTTATAGAGTTATGAAAAAATTCACCT[G>A]GACTTCCTGAAGAGTGACCATCCTGCTGTGGCACGCATGCGTGTGGACTCAGACAATGCA-3'
Protein context (NP_006197.1, residues 957-977): QYKKSYEKIH[Leu967=]DFLKSDHPAV